The following is an entry in ClinVar:

NM_000530.8(MPZ):c.173T>A (p.Val58Asp)

Gene: MPZ (myelin protein zero; minus strand). Cytogenetic location: 1q23.3.
Variant type: single nucleotide variant.
Coding change: c.173T>A on transcript NM_000530.8 (MANE Select); coding-DNA position 173, T replaced by A.
Protein change: p.Val58Asp; replaces valine 58 with aspartic acid.
Molecular consequence: missense variant.
Genome position (GRCh38, 1-based): chr1:161,307,319, A>T on the plus strand (T>A on the coding strand, the complement: MPZ is on the minus strand). VCF-style: chr1-161307319-A-T. GRCh37 (hg19) VCF-style: chr1-161277109-A-T.
Other names: c.173T>A (LRG_256t1); c.173T>A, p.Val58Asp (NM_001315491.2); short protein forms V58D.
Identifiers: ClinVar variation 637777 (VCV000637777.8), dbSNP rs1571820049, ClinGen allele CA343350862.
Genomic context (GRCh38, chr1:161,307,319, plus strand): 5'-GAAATGGCATCTCTGCCCCCTTCGGGCTGGTAGCGCCAGGTGAAGGAGATGTCATCTGAG[A>T]CCCACTCACTGGACCAGAAGGAGCAGTGCAGGGTCACCCGGGAGCCCACAGCACCATGGA-3'
Protein context (NP_000521.2, residues 48-68): LHCSFWSSEW[Val58Asp]SDDISFTWRY

ClinVar aggregate classification (germline): Conflicting classifications of pathogenicity. Review status: criteria provided, conflicting classifications (1 of 4 stars). 3 submissions from 3 submitters: Likely pathogenic (1); Uncertain significance (1). 1 of the submissions does not count toward it. Last evaluated 2022-03-05.

Conditions:
Charcot-Marie-Tooth disease. Also called: Charcot-Marie-Tooth Hereditary Neuropathy; Charcot-Marie-Tooth Neuropathy. Identifiers: Orphanet 166, MedGen C0007959, MONDO:0015626.
Charcot-Marie-Tooth disease, type I (CMT1). Also called: Charcot-Marie-Tooth disease type 1; Charcot-Marie-Tooth, Type 1. Identifiers: Orphanet 65753, MedGen C0751036, MONDO:0019011.
Roussy-Lévy syndrome. Also called: Roussy Levy hereditary areflexic dystasia; Roussy-Levy disease; Hereditary areflexic dystasia; Roussy-Levy Syndrome. Identifiers: Orphanet 3115, MedGen C0205713, MONDO:0008392, OMIM 180800.

Submissions (3):

Labcorp Genetics (formerly Invitae), Labcorp
Classification: Uncertain significance for Charcot-Marie-Tooth disease, type I. Last evaluated: 2022-03-05. Review status: criteria provided, single submitter. Criteria: Invitae Variant Classification Sherloc (09022015). Collection method: clinical testing. Allele origin: germline.
Comment: This sequence change replaces valine, which is neutral and non-polar, with aspartic acid, which is acidic and polar, at codon 58 of the MPZ protein (p.Val58Asp). This variant is not present in population databases (gnomAD no frequency). This missense change has been observed in individual(s) with Charcot-Marie-Tooth disease (PMID: 15050444). It has also been observed to segregate with disease in related individuals. ClinVar contains an entry for this variant (Variation ID: 637777). Algorithms developed to predict the effect of missense changes on protein structure and function are either unavailable or do not agree on the potential impact of this missense change (SIFT: "Deleterious"; PolyPhen-2: "Probably Damaging"; Align-GVGD: "Class C15"). This variant disrupts the p.Val58 amino acid residue in MPZ. Other variant(s) that disrupt this residue have been observed in individuals with MPZ-related conditions (PMID: 9452099, 15050444), which suggests that this may be a clinically significant amino acid residue. In summary, the available evidence is currently insufficient to determine the role of this variant in disease. Therefore, it has been classified as a Variant of Uncertain Significance.

Centre for Mendelian Genomics, University Medical Centre Ljubljana
Classification: Likely pathogenic for Roussy-Lévy syndrome. Last evaluated: 2019-02-16. Review status: criteria provided, single submitter. Criteria: ACMG Guidelines, 2015. Collection method: clinical testing. Allele origin: unknown. Affected: yes.
Comment: This variant was classified as: Likely pathogenic. The following ACMG criteria were applied in classifying this variant: PM1,PM2,PP2,PP3.

Inherited Neuropathy Consortium
Classification: Uncertain significance for Charcot-Marie-Tooth disease. Review status: no assertion criteria provided. Collection method: literature only. Allele origin: germline. Affected: yes. Not counted in ClinVar's aggregate classification.

Literature cited by the submitters: PubMed 15050444 (cited by Labcorp Genetics (formerly Invitae), Labcorp and Inherited Neuropathy Consortium); PubMed 9452099 (cited by Labcorp Genetics (formerly Invitae), Labcorp).